The following is an entry in ClinVar:

NM_152468.5(TMC8):c.449-1G>T

Gene: TMC8 (transmembrane channel like 8; plus strand). Cytogenetic location: 17q25.3.
Variant type: single nucleotide variant.
Coding change: c.449-1G>T on transcript NM_152468.5 (MANE Select); the canonical splice acceptor site of the intron before coding-DNA position 449, G replaced by T.
Molecular consequence: splice acceptor variant.
Genome position (GRCh38, 1-based): chr17:78,132,787, G>T. VCF-style: chr17-78132787-G-T. GRCh37 (hg19) VCF-style: chr17-76128868-G-T.
Identifiers: ClinVar variation 935805 (VCV000935805.8), dbSNP rs377668069, ClinGen allele CA8796465.
Genomic context (GRCh38, chr17:78,132,787, plus strand): 5'-CCGCAGAGCCTCACCTATGCCTTGGGGATCCCTCTCTATTGACCCCCTTCCTCCTCAACA[G>T]CCCTCCAGTGCCCTGGTAGCCGCCAGTCCCCGCCTGGCGTTTTGAGGTTCCACAATCAAC-3'

ClinVar aggregate classification (germline): Likely pathogenic. Review status: criteria provided, multiple submitters, no conflicts (2 of 4 stars). 2 submissions from 2 submitters: Likely pathogenic (2). Last evaluated 2025-12-18.

Conditions:
TMC8-related disorder. Also called: TMC8-related condition.
Epidermodysplasia verruciformis. Identifiers: Orphanet 302, MedGen C0014522, MONDO:0009176.

Allele frequency attached by ClinVar (database versions not stated): gnomAD exomes below 0.00001 and 0.00002; ExAC 0.00001; TOPMed 0.00003; gnomAD 0.00004 and 0.00005; ESP Exome Variant Server 0.00008.
gnomAD v4.1: 34 of 1,614,046 alleles (0.0021%); highest among the groups gnomAD compares: Non-Finnish European, 0.0029%; no homozygotes.

Submissions (2):

Labcorp Genetics (formerly Invitae), Labcorp
Classification: Likely pathogenic for Epidermodysplasia verruciformis. Last evaluated: 2025-12-18. Review status: criteria provided, single submitter. Criteria: Invitae Variant Classification Sherloc (09022015). Collection method: clinical testing. Allele origin: germline.
Comment: This sequence change affects an acceptor splice site in intron 4 of the TMC8 gene. It is expected to disrupt RNA splicing. Variants that disrupt the donor or acceptor splice site typically lead to a loss of protein function (PMID: 16199547), and loss-of-function variants in TMC8 are known to be pathogenic (PMID: 12426567, 22158547). This variant is present in population databases (rs377668069, gnomAD 0.002%). This variant has not been reported in the literature in individuals affected with TMC8-related conditions. ClinVar contains an entry for this variant (Variation ID: 935805). Algorithms developed to predict the effect of sequence changes on RNA splicing suggest that this variant may disrupt the consensus splice site. In summary, the currently available evidence indicates that the variant is pathogenic, but additional data are needed to prove that conclusively. Therefore, this variant has been classified as Likely Pathogenic.

Blueprint Genetics
Classification: Likely pathogenic for TMC8-related disorders. Last evaluated: 2024-07-10. Review status: criteria provided, single submitter. Criteria: ACMG Guidelines, 2015. Collection method: clinical testing. Allele origin: germline. Affected: yes. Observed: 3 variant alleles.

Literature cited by the submitters: PubMed 16199547 (cited by Labcorp Genetics (formerly Invitae), Labcorp); PubMed 12426567 (cited by Labcorp Genetics (formerly Invitae), Labcorp); PubMed 22158547 (cited by Labcorp Genetics (formerly Invitae), Labcorp).